The following is an entry in ClinVar:

NM_012434.5(SLC17A5):c.1046C>T (p.Ala349Val)

Gene: SLC17A5 (solute carrier family 17 member 5; minus strand). Cytogenetic location: 6q13.
Variant type: single nucleotide variant.
Coding change: c.1046C>T on transcript NM_012434.5 (MANE Select); coding-DNA position 1046, C replaced by T.
Protein change: p.Ala349Val; replaces alanine 349 with valine.
Molecular consequence: missense variant.
Genome position (GRCh38, 1-based): chr6:73,615,380, G>A on the plus strand (C>T on the coding strand, the complement: SLC17A5 is on the minus strand). VCF-style: chr6-73615380-G-A. GRCh37 (hg19) VCF-style: chr6-74325103-G-A.
Other names: c.815C>T, p.Ala272Val (NM_001382629.1); c.1046C>T, p.Ala349Val (NM_001382630.1, NM_001382633.1); c.1067C>T, p.Ala356Val (NM_001382631.1); c.959C>T, p.Ala320Val (NM_001382632.1); c.887C>T, p.Ala296Val (NM_001382634.1); c.1043C>T, p.Ala348Val (NM_001382635.1); c.728C>T, p.Ala243Val (NM_001382636.1); short protein forms A243V, A272V, A296V, A348V, A349V, A320V, A356V.
Identifiers: ClinVar variation 1810715 (VCV001810715.1), dbSNP rs2533429385, ClinGen allele CA364712287.
Genomic context (GRCh38, chr6:73,615,380, plus strand): 5'-AGGCTAAAAATTCTGCGAACACATAAAGTTGAAAAATTCCATTTTGCCCTTAAATTGTCA[G>A]CAGCTTGACCAGACAGGATCATACATAACCAAGAGCCTAAATAAGGCAATGAAGATAAAA-3'
Protein context (NP_036566.1, residues 339-359): WLCMILSGQA[Ala349Val]DNLRAKWNFS

ClinVar aggregate classification (germline): Uncertain significance (1 of 4 stars; one submission).

Submission:

GeneDx
Classification: Uncertain significance. Last evaluated: 2022-07-07. Review status: criteria provided, single submitter. Criteria: GeneDx Variant Classification Process June 2021. Collection method: clinical testing. Allele origin: germline. Affected: yes.
Comment: Not observed at significant frequency in large population cohorts (gnomAD); In silico analysis supports that this missense variant has a deleterious effect on protein structure/function; Has not been previously published as pathogenic or benign to our knowledge